The following is an entry in ClinVar:

NM_001134665.3(TRMT10A):c.1016A>G (p.His339Arg)

Gene: TRMT10A (tRNA methyltransferase 10A; minus strand). Cytogenetic location: 4q23.
Variant type: single nucleotide variant.
Coding change: c.1016A>G on transcript NM_001134665.3 (MANE Select); coding-DNA position 1016, A replaced by G.
Protein change: p.His339Arg; replaces histidine 339 with arginine.
Molecular consequence: missense variant.
Genome position (GRCh38, 1-based): chr4:99,549,092, T>C on the plus strand (A>G on the coding strand, the complement: TRMT10A is on the minus strand). VCF-style: chr4-99549092-T-C. GRCh37 (hg19) VCF-style: chr4-100470249-T-C.
Other names: c.1016A>G, p.His339Arg (NM_001134666.3, NM_001375880.1, NM_001375881.1 and 1 more transcripts); c.995A>G, p.His332Arg (NM_001375882.1); short protein forms H332R, H339R.
Identifiers: ClinVar variation 2862871 (VCV002862871.3), dbSNP rs2476002133, ClinGen allele CA357506040.

ClinVar aggregate classification (germline): Uncertain significance (1 of 4 stars; one submission).

Allele frequency attached by ClinVar (database versions not stated): gnomAD exomes below 0.00001.
gnomAD v4.1: 1 of 1,613,490 alleles (0.000062%); highest among the groups gnomAD compares: South Asian, 0.0011%; no homozygotes.

Submission:

Labcorp Genetics (formerly Invitae), Labcorp
Classification: Uncertain significance. Last evaluated: 2023-08-10. Review status: criteria provided, single submitter. Criteria: Invitae Variant Classification Sherloc (09022015). Collection method: clinical testing. Allele origin: germline.
Comment: In summary, the available evidence is currently insufficient to determine the role of this variant in disease. Therefore, it has been classified as a Variant of Uncertain Significance. Algorithms developed to predict the effect of missense changes on protein structure and function output the following: SIFT: "Not Available"; PolyPhen-2: "Probably Damaging"; Align-GVGD: "Not Available". The arginine amino acid residue is found in multiple mammalian species, which suggests that this missense change does not adversely affect protein function. This variant has not been reported in the literature in individuals affected with TRMT10A-related conditions. This variant is not present in population databases (gnomAD no frequency). This sequence change replaces histidine, which is basic and polar, with arginine, which is basic and polar, at codon 339 of the TRMT10A protein (p.His339Arg).